The following is an entry in ClinVar:

ClinVar aggregate classification (germline): Uncertain significance (1 of 4 stars; one submission).

Conditions:
Inborn genetic diseases. Identifiers: MedGen C0950123, MeSH D030342.

Submission:

Ambry Genetics
Classification: Uncertain significance for Inborn genetic diseases. Last evaluated: 2025-12-29. Review status: criteria provided, single submitter. Criteria: Ambry Variant Classification Scheme 2023. Collection method: clinical testing. Allele origin: germline.
Comment: The c.55A>G (p.M19V) alteration is located in exon 2 (coding exon 1) of the HNRNPR gene. This alteration results from a A to G substitution at nucleotide position 55, causing the methionine (M) at amino acid position 19 to be replaced by a valine (V). Based on data from gnomAD, the G allele has an overall frequency of <0.001% (1/250984) total alleles studied. The highest observed frequency was 0.001% (1/113530) of European (non-Finnish) alleles. Based on insufficient or conflicting evidence, the clinical significance of this alteration remains unclear.

NM_005826.5(HNRNPR):c.55A>G (p.Met19Val)

Gene: HNRNPR (heterogeneous nuclear ribonucleoprotein R; minus strand). Cytogenetic location: 1p36.12.
Variant type: single nucleotide variant.
Coding change: c.55A>G on transcript NM_005826.5 (MANE Select); coding-DNA position 55, A replaced by G.
Protein change: p.Met19Val; replaces methionine 19 with valine.
Molecular consequence: missense variant. On other transcripts: intron variant (4).
Genome position (GRCh38, 1-based): chr1:23,340,954, T>C on the plus strand (A>G on the coding strand, the complement: HNRNPR is on the minus strand). VCF-style: chr1-23340954-T-C. GRCh37 (hg19) VCF-style: chr1-23667447-T-C.
Other names: c.55A>G, p.Met19Val (NM_001102398.3, NM_001297620.2, NM_001437727.1 and 1 more transcripts); c.-146-2346A>G (NM_001297622.2, NM_001297621.2, NM_001102397.3 and 1 more transcripts); short protein forms M19V.
Identifiers: ClinVar variation 4828965 (VCV004828965.1).
Genomic context (GRCh38, chr1:23,340,954, plus strand): 5'-GGAGGCCTGCCTCTATCAGTGTCTTGTAGTGTTCTGTGTGAGTTACACTGGAAGTATCCA[T>C]TGGTTCTTCCTCTTCTTTTAACTGTACCGCATTACCATTCACCTGATTAGCCATTTTATT-3'
Protein context (NP_005817.1, residues 9-29): AVQLKEEEEP[Met19Val]DTSSVTHTEH